The following is an entry in ClinVar:

NM_016599.5(MYOZ2):c.76+10A>G

Gene: MYOZ2 (myozenin 2; plus strand). Cytogenetic location: 4q26.
Variant type: single nucleotide variant.
Coding change: c.76+10A>G on transcript NM_016599.5 (MANE Select); 10 bases into the intron after coding-DNA position 76, A replaced by G.
Molecular consequence: intron variant.
Genome position (GRCh38, 1-based): chr4:119,136,611, A>G. VCF-style: chr4-119136611-A-G. GRCh37 (hg19) VCF-style: chr4-120057766-A-G.
Identifiers: ClinVar variation 45788 (VCV000045788.21), dbSNP rs372006344, ClinGen allele CA137044.
Genomic context (GRCh38, chr4:119,136,611, plus strand): 5'-AGCAGAGAAAACAGCAAGCAACAGCCATCATGAAGGAAGTCCATGGAAATGGTATCAATA[A>G]AAATCCTTCGTAGCATTAATATAGCACAGCATGAATGTGGCTCCATCCTGACGTTGTTTA-3'

ClinVar aggregate classification (germline): Likely benign. Review status: criteria provided, multiple submitters, no conflicts (2 of 4 stars). 5 submissions from 5 submitters: Likely benign (2). 3 of the submissions do not count toward it. Last evaluated 2025-12-19.

Conditions:
MYOZ2-related disorder. Also called: MYOZ2-related condition.
Hypertrophic cardiomyopathy. Also called: HYPERTROPHIC MYOCARDIOPATHY. Identifiers: Orphanet 217569, MedGen C0007194, MeSH D002312, MONDO:0005045, HP:0001639.

Allele frequency attached by ClinVar (database versions not stated): ExAC 0.00009; gnomAD exomes 0.00011 and 0.00025; gnomAD 0.00012 and 0.00013; TOPMed 0.00016; ESP Exome Variant Server 0.00038.
gnomAD v4.1: 371 of 1,610,538 alleles (0.023%); highest among the groups gnomAD compares: Non-Finnish European, 0.03%; no homozygotes.

Submissions (5):

Labcorp Genetics (formerly Invitae), Labcorp
Classification: Likely benign for Hypertrophic cardiomyopathy. Last evaluated: 2025-12-19. Review status: criteria provided, single submitter. Criteria: Invitae Variant Classification Sherloc (09022015). Collection method: clinical testing. Allele origin: germline.

Laboratory for Molecular Medicine, Mass General Brigham Personalized Medicine
Classification: Likely benign. Last evaluated: 2012-06-28. Review status: criteria provided, single submitter. Criteria: LMM Criteria. Collection method: clinical testing. Allele origin: germline. Observed: 1 variant allele.
Comment: 76+10A>G in intron 2 of MYOZ2: This variant is not expected to have clinical sig nificance because it is not located within the splice consensus sequence. It has been identified in 5/8595 European American chromosomes from a broad population by the NHLBI Exome Sequencing Project. 76+ 10A>G in intron 02 of MYOZ2 (allele frequency = 5/8595) **

PreventionGenetics, part of Exact Sciences
Classification: Likely benign for MYOZ2-related condition. Last evaluated: 2019-10-08. Review status: no assertion criteria provided. Collection method: clinical testing. Allele origin: germline. Not counted in ClinVar's aggregate classification.
Comment: This variant is classified as likely benign based on ACMG/AMP sequence variant interpretation guidelines (Richards et al. 2015 PMID: 25741868, with internal and published modifications).

Clinical Genetics, Academic Medical Center
Classification: Benign. Review status: no assertion criteria provided. Collection method: clinical testing. Allele origin: germline. Affected: yes. Study: VKGL Data-share Consensus. Not counted in ClinVar's aggregate classification.

Joint Genome Diagnostic Labs from Nijmegen and Maastricht, Radboudumc and MUMC+
Classification: Likely benign. Review status: no assertion criteria provided. Collection method: clinical testing. Allele origin: germline. Affected: yes. Study: VKGL Data-share Consensus. Not counted in ClinVar's aggregate classification.